The following is an entry in ClinVar:

ClinVar aggregate classification (germline): Uncertain significance (1 of 4 stars; one submission).

Allele frequency attached by ClinVar (database versions not stated): TOPMed below 0.00001; gnomAD 0.00001; gnomAD exomes 0.00001.

Submission:

Women's Health and Genetics/Laboratory Corporation of America, LabCorp
Classification: Uncertain significance. Last evaluated: 2022-03-28. Review status: criteria provided, single submitter. Criteria: LabCorp Variant Classification Summary - May 2015. Collection method: clinical testing. Allele origin: germline.
Comment: Variant summary: STAT3 c.2144+46_2144+47delCA is located at a position not widely known to affect splicing. Four computational tools predict the variant abolishes a cryptic intronic 3' acceptor site but does not affect any canonical splice sites. However, these predictions have yet to be confirmed by functional studies. The variant was absent in 250252 control chromosomes (gnomAD v2.1.1). The available data on variant occurrences in the general population are insufficient to allow any conclusion about variant significance. To our knowledge, no occurrence of c.2144+46_2144+47delCA in individuals affected with Autoimmune Disease, Multisystem, Infantile-Onset, 1 and no experimental evidence demonstrating its impact on protein function have been reported. No clinical diagnostic laboratories have submitted clinical-significance assessments for this variant to ClinVar after 2014. Based on the evidence outlined above, the variant was classified as uncertain significance.

NM_139276.3(STAT3):c.2144+46_2144+47del

Gene: STAT3 (signal transducer and activator of transcription 3; minus strand). Cytogenetic location: 17q21.2.
Variant type: Deletion.
Coding change: c.2144+46_2144+47del on transcript NM_139276.3 (MANE Select); bases 46 to 47 of the intron after coding-DNA position 2144, 2 bases deleted (CA; older notation c.2144+46_2144+47delCA).
Molecular consequence: intron variant.
Genome position (GRCh38, 1-based): chr17:42,317,135-42,317,136, TG deleted on the plus strand (CA on the coding strand, the reverse complement: STAT3 is on the minus strand). VCF-style (leftmost placement, unchanged base first): chr17-42317134-CTG-C. GRCh37 (hg19) VCF-style: chr17-40469152-CTG-C.
Other names: c.2045+46_2045+47del (NM_001384989.1); c.2084+46_2084+47del (NM_001384992.1); c.2060+46_2060+47del (NM_001384984.1); c.2141+46_2141+47del (NM_001369519.1, NM_003150.4, NM_001369514.1 and 2 more transcripts); c.2144+46_2144+47del (NM_001369517.1, NM_001369512.1, NM_001369518.1 and 3 more transcripts); c.2066+46_2066+47del (NM_001384985.1); c.2123+46_2123+47del (NM_001384987.1); c.2117+46_2117+47del (NM_001384991.1); and 3 more.
Identifiers: ClinVar variation 1677207 (VCV001677207.1), dbSNP rs1279773038, ClinGen allele CA772068459.